The following is an entry in ClinVar:

NM_032578.4(MYPN):c.2575G>A (p.Gly859Arg)

Gene: MYPN (myopalladin; plus strand). Cytogenetic location: 10q21.3.
Variant type: single nucleotide variant.
Coding change: c.2575G>A on transcript NM_032578.4 (MANE Select); coding-DNA position 2575, G replaced by A.
Protein change: p.Gly859Arg; replaces glycine 859 with arginine.
Molecular consequence: missense variant. On other transcripts: non-coding transcript variant (1).
Genome position (GRCh38, 1-based): chr10:68,175,333, G>A. VCF-style: chr10-68175333-G-A. GRCh37 (hg19) VCF-style: chr10-69935090-G-A.
Other names: c.2575G>A, p.Gly859Arg (NM_001256267.2); c.1693G>A, p.Gly565Arg (NM_001256268.2); short protein forms G565R, G859R.
Identifiers: ClinVar variation 3606496 (VCV003606496.1).

ClinVar aggregate classification (germline): Uncertain significance (1 of 4 stars; one submission).

Conditions:
Dilated cardiomyopathy 1KK (CMD1KK). Identifiers: Orphanet 154, Orphanet 75249, MedGen C3714995, MONDO:0014100, OMIM 615248.

gnomAD v4.1: 2 of 1,613,752 alleles (0.00012%); highest among the groups gnomAD compares: Non-Finnish European, 0.00017%; no homozygotes.

Submission:

Labcorp Genetics (formerly Invitae), Labcorp
Classification: Uncertain significance for Dilated cardiomyopathy 1KK. Last evaluated: 2024-05-10. Review status: criteria provided, single submitter. Criteria: Invitae Variant Classification Sherloc (09022015). Collection method: clinical testing. Allele origin: germline.
Comment: This sequence change replaces glycine, which is neutral and non-polar, with arginine, which is basic and polar, at codon 859 of the MYPN protein (p.Gly859Arg). The frequency data for this variant in the population databases is considered unreliable, as metrics indicate poor data quality at this position in the gnomAD database. This variant has not been reported in the literature in individuals affected with MYPN-related conditions. An algorithm developed to predict the effect of missense changes on protein structure and function (PolyPhen-2) suggests that this variant is likely to be disruptive. In summary, the available evidence is currently insufficient to determine the role of this variant in disease. Therefore, it has been classified as a Variant of Uncertain Significance.